The following is an entry in ClinVar:

ClinVar aggregate classification (germline): Uncertain significance (1 of 4 stars; one submission).

Conditions:
Mucopolysaccharidosis, MPS-III-B (MPS3B). Also called: N-ACETYL-ALPHA-D-GLUCOSAMINIDASE DEFICIENCY; NAGLU DEFICIENCY; SANFILIPPO SYNDROME B; MPS III B; MPS IIIB (Sanfilippo Syndrome Type B); MUCOPOLYSACCHARIDOSIS, TYPE IIIB. Identifiers: Orphanet 79270, MedGen C0086648, MONDO:0009656, OMIM 252920.
Charcot-Marie-Tooth disease axonal type 2V. Also called: CHARCOT-MARIE-TOOTH NEUROPATHY, TYPE 2V; CHARCOT-MARIE-TOOTH DISEASE, AXONAL, AUTOSOMAL DOMINANT, TYPE 2V. Identifiers: Orphanet 447964, MedGen C5569050, MONDO:0014665, OMIM 616491.

Submission:

Labcorp Genetics (formerly Invitae), Labcorp
Classification: Uncertain significance for Charcot-Marie-Tooth disease axonal type 2V; Mucopolysaccharidosis, MPS-III-B. Last evaluated: 2021-10-04. Review status: criteria provided, single submitter. Criteria: Invitae Variant Classification Sherloc (09022015). Collection method: clinical testing. Allele origin: germline.
Comment: This sequence change replaces arginine with serine at codon 495 of the NAGLU protein (p.Arg495Ser). The arginine residue is moderately conserved and there is a moderate physicochemical difference between arginine and serine. This variant is not present in population databases (ExAC no frequency). This variant has not been reported in the literature in individuals affected with NAGLU-related conditions. Advanced modeling of protein sequence and biophysical properties (such as structural, functional, and spatial information, amino acid conservation, physicochemical variation, residue mobility, and thermodynamic stability) performed at Invitae indicates that this missense variant is not expected to disrupt NAGLU protein function. In summary, the available evidence is currently insufficient to determine the role of this variant in disease. Therefore, it has been classified as a Variant of Uncertain Significance.

NM_000263.4(NAGLU):c.1485G>T (p.Arg495Ser)

Gene: NAGLU (N-acetyl-alpha-glucosaminidase; plus strand). Cytogenetic location: 17q21.2.
Variant type: single nucleotide variant.
Coding change: c.1485G>T on transcript NM_000263.4 (MANE Select); coding-DNA position 1485, G replaced by T.
Protein change: p.Arg495Ser; replaces arginine 495 with serine.
Molecular consequence: missense variant.
Genome position (GRCh38, 1-based): chr17:42,543,491, G>T. VCF-style: chr17-42543491-G-T. GRCh37 (hg19) VCF-style: chr17-40695509-G-T.
Other names: short protein forms R495S.
Identifiers: ClinVar variation 1484139 (VCV001484139.3), dbSNP rs2143110806, ClinGen allele CA399603968.